The following is an entry in ClinVar:

ClinVar aggregate classification (germline): Conflicting classifications of pathogenicity. Review status: criteria provided, conflicting classifications (1 of 4 stars). 5 submissions from 5 submitters: Uncertain significance (1); Likely benign (4). Last evaluated 2026-08-01.

Conditions:
COL18A1-related disorder. Also called: COL18A1-related disorders; COL18A1-related condition.
Knobloch syndrome (KNO). Also called: RETINAL DETACHMENT AND OCCIPITAL ENCEPHALOCELE; Myopia retinal detachment encephalocele. Identifiers: Orphanet 1571, MedGen C1849409, MONDO:0800166.

Allele frequency attached by ClinVar (database versions not stated): ExAC 0.00084; gnomAD 0.00084 and 0.00089; ESP Exome Variant Server 0.00098; TOPMed 0.00112.
gnomAD v4.1: 1,902 of 1,613,882 alleles (0.12%); highest among the groups gnomAD compares: Non-Finnish European, 0.15%; 2 homozygotes.

Submissions (5):

CeGaT Center for Human Genetics Tuebingen
Classification: Likely benign. Last evaluated: 2026-08-01. Review status: criteria provided, single submitter. Criteria: CeGaT Center For Human Genetics Tuebingen Variant Classification Criteria Version 2. Collection method: clinical testing. Allele origin: germline. Affected: yes. Observed: 5 variant alleles.
Comment: COL18A1: BP4, BP7

Labcorp Genetics (formerly Invitae), Labcorp
Classification: Likely benign. Last evaluated: 2026-01-29. Review status: criteria provided, single submitter. Criteria: Invitae Variant Classification Sherloc (09022015). Collection method: clinical testing. Allele origin: germline.

PreventionGenetics, part of Exact Sciences
Classification: Likely benign for COL18A1-related condition. Last evaluated: 2024-12-17. Review status: criteria provided, single submitter. Criteria: ACMG Guidelines, 2015. Collection method: clinical testing. Allele origin: germline.
Comment: This variant is classified as likely benign based on ACMG/AMP sequence variant interpretation guidelines (Richards et al. 2015 PMID: 25741868, with internal and published modifications).

Blueprint Genetics
Classification: Likely benign. Last evaluated: 2024-11-21. Review status: criteria provided, single submitter. Criteria: ACMG Guidelines, 2015. Collection method: clinical testing. Allele origin: germline.

Illumina Laboratory Services, Illumina
Classification: Uncertain significance for Knobloch syndrome 1. Last evaluated: 2018-01-12. Review status: criteria provided, single submitter. Criteria: ICSL Variant Classification Criteria 13 December 2019. Collection method: clinical testing. Allele origin: germline.

NM_001379500.1(COL18A1):c.1905C>T (p.Pro635=)

Gene: COL18A1 (collagen type XVIII alpha 1 chain; plus strand). Cytogenetic location: 21q22.3.
Variant type: single nucleotide variant.
Coding change: c.1905C>T on transcript NM_001379500.1 (MANE Select); coding-DNA position 1905, C replaced by T.
Protein change: p.Pro635=; no amino-acid change (proline 635 retained).
Molecular consequence: synonymous variant.
Genome position (GRCh38, 1-based): chr21:45,488,426, C>T. VCF-style: chr21-45488426-C-T. GRCh37 (hg19) VCF-style: chr21-46908340-C-T.
Other names: NM_130445.3:c.1905C>T; NM_130445.2:c.1905C>T; c.2445C>T, p.Pro815= (NM_030582.4); c.3150C>T, p.Pro1050= (NM_130444.3); c.2445C>T (NM_030582.3).
Identifiers: ClinVar variation 770010 (VCV000770010.38), dbSNP rs199523495, ClinGen allele CA10066651.